The following is an entry in ClinVar:

ClinVar aggregate classification (germline): Benign/Likely benign. Review status: criteria provided, multiple submitters, no conflicts (2 of 4 stars). 4 submissions from 4 submitters: Benign (2); Likely benign (1). 1 of the submissions does not count toward it. Last evaluated 2024-09-18.

Conditions:
PKD1-related disorder. Also called: PKD1-related condition.

Allele frequency attached by ClinVar (database versions not stated): gnomAD 0.00009; 1000 Genomes Project 30x 0.00016; TOPMed 0.00016; 1000 Genomes Project 0.00020; ExAC 0.00043; gnomAD exomes 0.00045.
gnomAD v4.1: 181 of 1,610,862 alleles (0.011%); highest among the groups gnomAD compares: East Asian, 0.33%; no homozygotes.

Submissions (4):

Blueprint Genetics
Classification: Likely benign. Last evaluated: 2024-09-18. Review status: criteria provided, single submitter. Criteria: ACMG Guidelines, 2015. Collection method: clinical testing. Allele origin: germline.

ARUP Laboratories, Molecular Genetics and Genomics, ARUP Laboratories
Classification: Benign. Last evaluated: 2017-05-19. Review status: criteria provided, single submitter. Criteria: ARUP Molecular Germline Variant Investigation Process. Collection method: clinical testing. Allele origin: germline.

Breakthrough Genomics
Classification: Benign. Review status: criteria provided, single submitter. Criteria: ACMG Guidelines, 2015. Collection method: not provided. Allele origin: germline. Inheritance: Autosomal dominant inheritance. Affected: yes.

PreventionGenetics, part of Exact Sciences
Classification: Benign for PKD1-related condition. Last evaluated: 2022-11-28. Review status: no assertion criteria provided. Collection method: clinical testing. Allele origin: germline. Not counted in ClinVar's aggregate classification.
Comment: This variant is classified as benign based on ACMG/AMP sequence variant interpretation guidelines (Richards et al. 2015 PMID: 25741868, with internal and published modifications).

NM_001009944.3(PKD1):c.4053G>T (p.Arg1351=)

Gene: PKD1 (polycystin 1, transient receptor potential channel interacting; minus strand). Cytogenetic location: 16p13.3.
Variant type: single nucleotide variant.
Coding change: c.4053G>T on transcript NM_001009944.3 (MANE Select); coding-DNA position 4053, G replaced by T.
Protein change: p.Arg1351=; no amino-acid change (arginine 1351 retained).
Molecular consequence: synonymous variant.
Genome position (GRCh38, 1-based): chr16:2,111,114, C>A on the plus strand (G>T on the coding strand, the complement: PKD1 is on the minus strand). VCF-style: chr16-2111114-C-A. GRCh37 (hg19) VCF-style: chr16-2161115-C-A.
Other names: c.4053G>T (NM_001009944.2); c.4053G>T, p.Arg1351= (NM_000296.4).
Identifiers: ClinVar variation 618292 (VCV000618292.12), dbSNP rs371149993, ClinGen allele CA7832508.